The following is an entry in ClinVar:

ClinVar aggregate classification (germline): Benign. Review status: criteria provided, multiple submitters, no conflicts (2 of 4 stars). 6 submissions from 6 submitters: Benign (6). Last evaluated 2023-07-07.

Conditions:
Pancreatic cancer, susceptibility to, 1. Identifiers: Orphanet 1333, MedGen C1847351, MONDO:0011739, OMIM 606856.

Allele frequency attached by ClinVar (database versions not stated): gnomAD exomes 0.08732 and 0.11755; ESP Exome Variant Server 0.11141; ExAC 0.11378; gnomAD 0.12055 and 0.12308; TOPMed 0.12563; 1000 Genomes Project 0.12899; 1000 Genomes Project 30x 0.13382.
gnomAD v4.1: 145,248 of 1,607,132 alleles (9%); highest among the groups gnomAD compares: Admixed American, 24%; 8,330 homozygotes.

Submissions (6):

KCCC/NGS Laboratory, Kuwait Cancer Control Center
Classification: Benign for Pancreatic cancer, susceptibility to, 1. Last evaluated: 2023-07-07. Review status: criteria provided, single submitter. Criteria: ACMG Guidelines, 2015. Collection method: clinical testing. Allele origin: germline. Affected: yes.

Ambry Genetics
Classification: Benign. Last evaluated: 2020-07-30. Review status: criteria provided, single submitter. Criteria: Ambry Variant Classification Scheme 2023. Collection method: clinical testing. Allele origin: germline.

Illumina Laboratory Services, Illumina
Classification: Benign for Pancreatic cancer, susceptibility to, 1. Last evaluated: 2018-01-13. Review status: criteria provided, single submitter. Criteria: ICSL Variant Classification Criteria 13 December 2019. Collection method: clinical testing. Allele origin: germline.
Comment: This variant was observed in the ICSL laboratory as part of a predisposition screen in an ostensibly healthy population. It had not been previously curated by ICSL or reported in the Human Gene Mutation Database (HGMD: prior to June 1st, 2018), and was therefore a candidate for classification through an automated scoring system. Utilizing variant allele frequency, disease prevalence and penetrance estimates, and inheritance mode, an automated score was calculated to assess if this variant is too frequent to cause the disease. Based on the score and internal cut-off values, a variant classified as benign is not then subjected to further curation. The score for this variant resulted in a classification of benign for this disease.

Labcorp Genetics (formerly Invitae), Labcorp
Classification: Benign. Last evaluated: 2017-01-11. Review status: criteria provided, single submitter. Criteria: Invitae Variant Classification Sherloc (09022015). Collection method: clinical testing. Allele origin: germline.

GeneDx
Classification: Benign. Last evaluated: 2015-03-03. Review status: criteria provided, single submitter. Criteria: GeneDx Variant Classification Process June 2021. Collection method: clinical testing. Allele origin: germline. Affected: yes.

Breakthrough Genomics
Classification: Benign. Review status: criteria provided, single submitter. Criteria: ACMG Guidelines, 2015. Collection method: not provided. Allele origin: germline. Inheritance: Autosomal dominant inheritance. Affected: yes.

NM_001166108.2(PALLD):c.1274C>A (p.Thr425Asn)

Gene: PALLD (palladin, cytoskeletal associated protein; plus strand). Cytogenetic location: 4q32.3.
Variant type: single nucleotide variant.
Coding change: c.1274C>A on transcript NM_001166108.2 (MANE Select); coding-DNA position 1274, C replaced by A.
Protein change: p.Thr425Asn; replaces threonine 425 with asparagine.
Molecular consequence: missense variant.
Genome position (GRCh38, 1-based): chr4:168,685,498, C>A. VCF-style: chr4-168685498-C-A. GRCh37 (hg19) VCF-style: chr4-169606649-C-A.
Other names: c.128C>A, p.Thr43Asn (NM_001166109.2); c.1274C>A, p.Thr425Asn (NM_016081.4); short protein forms T425N, T43N.
Identifiers: ClinVar variation 348036 (VCV000348036.15), dbSNP rs62333891, ClinGen allele CA3135565.